The following is an entry in ClinVar:

NM_007363.5(NONO):c.1131+1G>A

Gene: NONO (non-POU domain containing octamer binding; plus strand). Cytogenetic location: Xq13.1.
Variant type: single nucleotide variant.
Coding change: c.1131+1G>A on transcript NM_007363.5 (MANE Select); the canonical splice donor site of the intron after coding-DNA position 1131, G replaced by A.
Molecular consequence: splice donor variant.
Genome position (GRCh38, 1-based): chrX:71,297,939, G>A. VCF-style: chrX-71297939-G-A. GRCh37 (hg19) VCF-style: chrX-70517789-G-A.
Other names: c.1131+1G>A (NM_001145408.2, NM_001145409.2); c.864+1G>A (NM_001145410.2).
Identifiers: ClinVar variation 1098343 (VCV001098343.2), dbSNP rs2148039797, ClinGen allele CA413548205.

ClinVar aggregate classification (germline): Pathogenic (1 of 4 stars; one submission).

Submission:

Genetics Laboratory, UDIAT-Centre Diagnòstic, Hospital Universitari Parc Tauli
Classification: Pathogenic. Last evaluated: 2021-04-26. Review status: criteria provided, single submitter. Criteria: Parc Tauli Hospital Assertion Criteria 2021. Collection method: clinical testing. Allele origin: de novo. Inheritance: X-linked inheritance. Affected: yes. Observed: 1 hemizygote.
Comment: PVS1_very strong;PM2_supporting;PM6_moderate